The following is an entry in ClinVar:

ClinVar aggregate classification (germline): Likely pathogenic (1 of 4 stars; one submission).

Submission:

Labcorp Genetics (formerly Invitae), Labcorp
Classification: Likely pathogenic. Last evaluated: 2022-10-08. Review status: criteria provided, single submitter. Criteria: Invitae Variant Classification Sherloc (09022015). Collection method: clinical testing. Allele origin: germline.
Comment: This variant results in the deletion of part of exon 10 (c.937_937+15del) of the HPS1 gene. It is expected to disrupt RNA splicing. Variants that disrupt the donor or acceptor splice site typically lead to a loss of protein function (PMID: 16199547), and loss-of-function variants in HPS1 are known to be pathogenic (PMID: 12442288, 16185271). This variant is not present in population databases (gnomAD no frequency). This variant has not been reported in the literature in individuals affected with HPS1-related conditions. Algorithms developed to predict the effect of sequence changes on RNA splicing suggest that this variant may disrupt the consensus splice site. In summary, the currently available evidence indicates that the variant is pathogenic, but additional data are needed to prove that conclusively. Therefore, this variant has been classified as Likely Pathogenic.

Literature cited by the submitters: PubMed 16199547; PubMed 12442288; PubMed 16185271.

NM_000195.5(HPS1):c.937_937+15del

Gene: HPS1 (HPS1 biogenesis of lysosomal organelles complex 3 subunit 1; minus strand). Cytogenetic location: 10q24.2.
Variant type: Deletion.
Coding change: c.937_937+15del on transcript NM_000195.5 (MANE Select); coding-DNA position 937 through 15 bases into the intron after coding-DNA position 937, 16 bases deleted (GGTGAGGACCGGAGGA).
Molecular consequence: splice donor variant. On other transcripts: frameshift variant (4).
Genome position (GRCh38, 1-based): chr10:98,429,558-98,429,573, TCCTCCGGTCCTCACC deleted on the plus strand (GGTGAGGACCGGAGGA on the coding strand, the reverse complement: HPS1 is on the minus strand); deleting any 16 consecutive bases within chr10:98,429,558-98,429,574 gives the same sequence; the c. name uses the placement nearest the transcript's 3' end. VCF-style (leftmost placement, unchanged base first): chr10-98429557-TTCCTCCGGTCCTCACC-T. GRCh37 (hg19) VCF-style: chr10-100189314-TTCCTCCGGTCCTCACC-T.
Other names: c.819_834del, p.Val274fs (NM_001322490.2); c.838_853del, p.Gly280fs (NM_001322491.2); c.720_735del, p.Val241fs (NM_001322492.2); c.937_952del, p.Gly313fs (NM_182639.4); c.568_568+15del (NM_001322483.2, NM_001322484.2); c.676_676+15del (NM_001322480.2, NM_001322481.2); c.838_838+15del (NM_001322478.2, NM_001322479.2); c.937_937+15del (NM_001322476.2, NM_001322477.2); and 3 more; short protein forms G280fs, V241fs, V274fs, G313fs.
Identifiers: ClinVar variation 2034865 (VCV002034865.4), dbSNP rs2538896065, ClinGen allele CA2580082550.